The following is an entry in ClinVar:

NM_001458.5(FLNC):c.778del (p.Ala260fs)

Gene: FLNC (filamin C; plus strand). Cytogenetic location: 7q32.1.
Variant type: Deletion.
Coding change: c.778del on transcript NM_001458.5 (MANE Select); coding-DNA position 778, one base deleted (G; older notation c.778delG).
Protein change: p.Ala260fs; shifts the reading frame from alanine 260.
Molecular consequence: frameshift variant.
Genome position (GRCh38, 1-based): chr7:128,837,476, G deleted; the last of 2 consecutive G bases (chr7:128,837,475-128,837,476); deleting either gives the same sequence. VCF-style (leftmost placement, unchanged base first): chr7-128837474-AG-A. GRCh37 (hg19) VCF-style: chr7-128477528-AG-A.
Other names: c.778del, p.Ala260fs (NM_001127487.2); short protein forms A260fs.
Identifiers: ClinVar variation 1760635 (VCV001760635.5), dbSNP rs1808142277, ClinGen allele CA1107055807.

ClinVar aggregate classification (germline): Pathogenic. Review status: criteria provided, multiple submitters, no conflicts (2 of 4 stars). 2 submissions from 2 submitters: Pathogenic (2). Last evaluated 2025-07-27.

Conditions:
Distal myopathy with posterior leg and anterior hand involvement. Also called: WILLIAMS DISTAL MYOPATHY. Identifiers: Orphanet 63273, MedGen C3279722, MONDO:0013550, OMIM 614065.
Hypertrophic cardiomyopathy 26. Also called: Cardiomyopathy, familial hypertrophic, 26. Identifiers: Orphanet 75249, MedGen C4310749, MONDO:0014883, OMIM 617047.
Myofibrillar myopathy 5. Also called: Filaminopathy (type); FILAMINOPATHY, AUTOSOMAL DOMINANT. Identifiers: Orphanet 171445, MedGen C1836050, MONDO:0012289, OMIM 609524.
Cardiovascular phenotype. Identifiers: MedGen CN230736.

Submissions (2):

Labcorp Genetics (formerly Invitae), Labcorp
Classification: Pathogenic for Distal myopathy with posterior leg and anterior hand involvement; Myofibrillar myopathy 5; Hypertrophic cardiomyopathy 26. Last evaluated: 2025-07-27. Review status: criteria provided, single submitter. Criteria: Invitae Variant Classification Sherloc (09022015). Collection method: clinical testing. Allele origin: germline.
Comment: This sequence change creates a premature translational stop signal (p.Ala260Profs*14) in the FLNC gene. It is expected to result in an absent or disrupted protein product. Loss-of-function variants in FLNC are known to be pathogenic (PMID: 27908349). This variant is not present in population databases (gnomAD no frequency). This variant has not been reported in the literature in individuals affected with FLNC-related conditions. ClinVar contains an entry for this variant (Variation ID: 1760635). For these reasons, this variant has been classified as Pathogenic.

Ambry Genetics
Classification: Pathogenic for Cardiovascular phenotype. Last evaluated: 2019-09-11. Review status: criteria provided, single submitter. Criteria: Ambry Variant Classification Scheme 2023. Collection method: clinical testing. Allele origin: germline.
Comment: The c.778delG pathogenic mutation, located in coding exon 4 of the FLNC gene, results from a deletion of one nucleotide at nucleotide position 778, causing a translational frameshift with a predicted alternate stop codon (p.A260Pfs*14). This alteration is expected to result in loss of function by premature protein truncation or nonsense-mediated mRNA decay. As such, this alteration is interpreted as a disease-causing mutation.

Literature cited by the submitters: PubMed 27908349 (cited by Labcorp Genetics (formerly Invitae), Labcorp).